The following is an entry in ClinVar:

NM_016955.4(SEPSECS):c.961_970del (p.Asp321fs)

Gene: SEPSECS (Sep (O-phosphoserine) tRNA:Sec (selenocysteine) tRNA synthase; minus strand). Cytogenetic location: 4p15.2.
Variant type: Deletion.
Coding change: c.961_970del on transcript NM_016955.4 (MANE Select); coding-DNA positions 961 to 970, 10 bases deleted (GATGTCCTTA; older notation c.961_970delGATGTCCTTA).
Protein change: p.Asp321fs; shifts the reading frame from aspartic acid 321.
Molecular consequence: frameshift variant.
Genome position (GRCh38, 1-based): chr4:25,144,830-25,144,839, TAAGGACATC deleted on the plus strand (GATGTCCTTA on the coding strand, the reverse complement: SEPSECS is on the minus strand); deleting any 10 consecutive bases within chr4:25,144,830-25,144,842 gives the same sequence; the c. name uses the placement nearest the transcript's 3' end. VCF-style (leftmost placement, unchanged base first): chr4-25144829-ATAAGGACATC-A. GRCh37 (hg19) VCF-style: chr4-25146451-ATAAGGACATC-A.
Other names: c.1213_1222delTTAGATGTCC, p.Asp406Leufs (NM_001410714.1); c.958_967delTTAGATGTCC, p.Asp321Leufs (NM_153825.2); short protein forms D321fs.
Identifiers: ClinVar variation 2101509 (VCV002101509.4), dbSNP rs2474660169, ClinGen allele CA2580070924.

ClinVar aggregate classification (germline): Pathogenic (1 of 4 stars; one submission).

Submission:

Labcorp Genetics (formerly Invitae), Labcorp
Classification: Pathogenic. Last evaluated: 2022-02-22. Review status: criteria provided, single submitter. Criteria: Invitae Variant Classification Sherloc (09022015). Collection method: clinical testing. Allele origin: germline.
Comment: This variant has not been reported in the literature in individuals affected with SEPSECS-related conditions. For these reasons, this variant has been classified as Pathogenic. This variant is not present in population databases (gnomAD no frequency). This sequence change creates a premature translational stop signal (p.Asp321Leufs*15) in the SEPSECS gene. It is expected to result in an absent or disrupted protein product. Loss-of-function variants in SEPSECS are known to be pathogenic (PMID: 25558065, 25590979, 26115735).

Literature cited by the submitters: PubMed 25558065; PubMed 25590979; PubMed 26115735.